The following is an entry in ClinVar:

ClinVar aggregate classification (germline): Uncertain significance (1 of 4 stars; one submission).

Conditions:
Candidiasis, familial, 6 (CANDF6). Also called: Candidiasis, familial, 6, autosomal dominant. Identifiers: Orphanet 1334, MedGen C3151405, MONDO:0013503, OMIM 613956.

Submission:

Labcorp Genetics (formerly Invitae), Labcorp
Classification: Uncertain significance for Candidiasis, familial, 6. Last evaluated: 2019-03-14. Review status: criteria provided, single submitter. Criteria: Invitae Variant Classification Sherloc (09022015). Collection method: clinical testing. Allele origin: germline.
Comment: This variant results in a copy number gain of the genomic region encompassing the full coding sequence of the IL17F gene. The boundaries of this event are unknown as they extend beyond the assayed region for this gene and therefore may encompass additional genes. As the precise location of this event is unknown, it may be in tandem or it may be located elsewhere in the genome. In summary, the available evidence is currently insufficient to determine the role of this variant in disease. Therefore, it has been classified as a Variant of Uncertain Significance. This variant has not been reported in the literature in individuals with IL17F-related conditions.

NC_000006.12:g.(?_52236911)_(52244449_?)dup

Gene: IL17F (interleukin 17F; minus strand). Cytogenetic location: 6p12.2.
Variant type: Duplication.
Identifiers: ClinVar variation 833237 (VCV000833237.7).